The following is an entry in ClinVar:

NM_024537.4(CARS2):c.1193G>A (p.Arg398Lys)

Gene: CARS2 (cysteinyl-tRNA synthetase 2, mitochondrial; minus strand). Cytogenetic location: 13q34.
Variant type: single nucleotide variant.
Coding change: c.1193G>A on transcript NM_024537.4 (MANE Select); coding-DNA position 1193, G replaced by A.
Protein change: p.Arg398Lys; replaces arginine 398 with lysine.
Molecular consequence: missense variant. On other transcripts: non-coding transcript variant (2).
Genome position (GRCh38, 1-based): chr13:110,647,101, C>T on the plus strand (G>A on the coding strand, the complement: CARS2 is on the minus strand). VCF-style: chr13-110647101-C-T. GRCh37 (hg19) VCF-style: chr13-111299448-C-T.
Other names: c.407G>A, p.Arg136Lys (NM_001352252.2); short protein forms R136K, R398K.
Identifiers: ClinVar variation 2128389 (VCV002128389.1), dbSNP rs1228085729, ClinGen allele CA388743864.

ClinVar aggregate classification (germline): Uncertain significance (1 of 4 stars; one submission).

Conditions:
Combined oxidative phosphorylation defect type 27. Also called: Combined oxidative phosphorylation deficiency 27. Identifiers: Orphanet 477774, MedGen C5567608, MONDO:0014728, OMIM 616672.

Allele frequency attached by ClinVar (database versions not stated): TOPMed below 0.00001; gnomAD exomes 0.00001.
gnomAD v4.1: 7 of 1,580,692 alleles (0.00044%); highest among the groups gnomAD compares: Non-Finnish European, 0.0006%; no homozygotes.

Submission:

Labcorp Genetics (formerly Invitae), Labcorp
Classification: Uncertain significance for Combined oxidative phosphorylation defect type 27. Last evaluated: 2022-04-20. Review status: criteria provided, single submitter. Criteria: Invitae Variant Classification Sherloc (09022015). Collection method: clinical testing. Allele origin: germline.
Comment: This sequence change replaces arginine, which is basic and polar, with lysine, which is basic and polar, at codon 398 of the CARS2 protein (p.Arg398Lys). This variant also falls at the last nucleotide of exon 11, which is part of the consensus splice site for this exon. This variant is not present in population databases (gnomAD no frequency). This variant has not been reported in the literature in individuals affected with CARS2-related conditions. Algorithms developed to predict the effect of missense changes on protein structure and function (SIFT, PolyPhen-2, Align-GVGD) all suggest that this variant is likely to be tolerated. Variants that disrupt the consensus splice site are a relatively common cause of aberrant splicing (PMID: 17576681, 9536098). In summary, the available evidence is currently insufficient to determine the role of this variant in disease. Therefore, it has been classified as a Variant of Uncertain Significance.

Literature cited by the submitters: PubMed 17576681; PubMed 9536098.